The following is an entry in ClinVar:

ClinVar aggregate classification (germline): Uncertain significance (1 of 4 stars; one submission).

Submission:

GeneDx
Classification: Uncertain significance. Last evaluated: 2021-04-08. Review status: criteria provided, single submitter. Criteria: GeneDx Variant Classification Process June 2021. Collection method: clinical testing. Allele origin: germline. Affected: yes.
Comment: Not observed in large population cohorts (Lek et al., 2016); In silico analysis supports that this missense variant has a deleterious effect on protein structure/function; Has not been previously published as pathogenic or benign to our knowledge

NM_004444.5(EPHB4):c.2434G>A (p.Glu812Lys)

Genes: EPHB4 (EPH receptor B4; minus strand), LOC126860124 (CDK7 strongly-dependent group 2 enhancer GRCh37_chr7:100403701-100404900; plus strand). Cytogenetic location: 7q22.1.
Variant type: single nucleotide variant.
Coding change: c.2434G>A on transcript NM_004444.5 (MANE Select); coding-DNA position 2434, G replaced by A.
Protein change: p.Glu812Lys; replaces glutamic acid 812 with lysine.
Molecular consequence: missense variant.
Genome position (GRCh38, 1-based): chr7:100,806,470, C>T on the plus strand (G>A on the coding strand, the complement: EPHB4 is on the minus strand). VCF-style: chr7-100806470-C-T. GRCh37 (hg19) VCF-style: chr7-100404092-C-T.
Other names: short protein forms E812K.
Identifiers: ClinVar variation 1314502 (VCV001314502.2), dbSNP rs2116416635, ClinGen allele CA368567572.
Genomic context (GRCh38, chr7:100,806,470, plus strand): 5'-GGACACTTACGTCCTGATTGCTCATGTCCCAGTACGGCCTCTCCCCAAATGACATCACCT[C>T]CCACATCACAATCCCGTAACTCCAGGCATCACTGGCGGAAGTGAACTTCCGGAAGGCAAT-3'
Protein context (NP_004435.3, residues 802-822): DAWSYGIVMW[Glu812Lys]VMSFGERPYW